The following is an entry in ClinVar:

ClinVar aggregate classification (germline): Uncertain significance (1 of 4 stars; one submission).

Conditions:
Very long chain acyl-CoA dehydrogenase deficiency (ACADVLD). Also called: Very Long-Chain Acyl-Coenzyme A Dehydrogenase Deficiency; VLCAD Deficiency. Identifiers: Orphanet 26793, MedGen C3887523, MONDO:0008723, OMIM 201475.

Allele frequency attached by ClinVar (database versions not stated): gnomAD exomes below 0.00001.

Submission:

Wong Mito Lab, Molecular and Human Genetics, Baylor College of Medicine
Classification: Uncertain significance for Very long chain acyl-CoA dehydrogenase deficiency. Last evaluated: 2019-11-01. Review status: criteria provided, single submitter. Criteria: ACMG Guidelines, 2015. Collection method: clinical testing. Allele origin: germline.
Comment: The NM_000018.3:c.367G>A (NP_000009.1:p.Asp123Asn) [GRCH38: NC_000017.11:g.7220948G>A] variant in ACADVL gene is interpretated to be Uncertain Significance based on ACMG guidelines (PMID: 25741868). This variant has been reported. This variant meets the following evidence codes reported in the ACMG guidelines: PM1, PP3

NM_000018.4(ACADVL):c.367G>A (p.Asp123Asn)

Gene: ACADVL (acyl-CoA dehydrogenase very long chain; plus strand). Cytogenetic location: 17p13.1.
Variant type: single nucleotide variant.
Coding change: c.367G>A on transcript NM_000018.4 (MANE Select); coding-DNA position 367, G replaced by A.
Protein change: p.Asp123Asn; replaces aspartic acid 123 with asparagine.
Molecular consequence: missense variant.
Genome position (GRCh38, 1-based): chr17:7,220,948, G>A. VCF-style: chr17-7220948-G-A. GRCh37 (hg19) VCF-style: chr17-7124267-G-A.
Other names: c.301G>A, p.Asp101Asn (NM_001033859.3); c.436G>A, p.Asp146Asn (NM_001270447.2); c.139G>A, p.Asp47Asn (NM_001270448.2); short protein forms D146N, D123N, D101N, D47N.
Identifiers: ClinVar variation 932749 (VCV000932749.2), dbSNP rs1347143307, ClinGen allele CA397722752.